The following is an entry in ClinVar:

NM_001038603.3(MARVELD2):c.453C>T (p.Asp151=)

Gene: MARVELD2 (MARVEL domain containing 2; plus strand). Cytogenetic location: 5q13.2.
Variant type: single nucleotide variant.
Coding change: c.453C>T on transcript NM_001038603.3 (MANE Select); coding-DNA position 453, C replaced by T.
Protein change: p.Asp151=; no amino-acid change (aspartic acid 151 retained).
Molecular consequence: synonymous variant.
Genome position (GRCh38, 1-based): chr5:69,419,838, C>T. VCF-style: chr5-69419838-C-T. GRCh37 (hg19) VCF-style: chr5-68715665-C-T.
Other names: c.453C>T, p.Asp151= (NM_001244734.2).
Identifiers: ClinVar variation 354080 (VCV000354080.17), dbSNP rs147493796, ClinGen allele CA3294049.

ClinVar aggregate classification (germline): Conflicting classifications of pathogenicity. Review status: criteria provided, conflicting classifications (1 of 4 stars). 4 submissions from 4 submitters: Uncertain significance (1); Likely benign (2). 1 of the submissions does not count toward it. Last evaluated 2026-01-24.

Conditions:
Autosomal recessive nonsyndromic hearing loss 49. Also called: Deafness, neurosensory, autosomal recessive 49. Identifiers: Orphanet 90636, MedGen C1857811, MONDO:0012420, OMIM 610153.
MARVELD2-related disorder. Also called: MARVELD2-related condition.

Allele frequency attached by ClinVar (database versions not stated): 1000 Genomes Project 30x 0.00031; gnomAD exomes 0.00034; gnomAD 0.00038 and 0.00058; 1000 Genomes Project 0.00040; ExAC 0.00040; ESP Exome Variant Server 0.00062; TOPMed 0.00072.
gnomAD v4.1: 1,324 of 1,614,174 alleles (0.082%); highest among the groups gnomAD compares: Non-Finnish European, 0.1%; 1 homozygote.

Submissions (4):

Labcorp Genetics (formerly Invitae), Labcorp
Classification: Likely benign. Last evaluated: 2026-01-24. Review status: criteria provided, single submitter. Criteria: Invitae Variant Classification Sherloc (09022015). Collection method: clinical testing. Allele origin: germline.

GeneDx
Classification: Likely benign. Last evaluated: 2021-05-26. Review status: criteria provided, single submitter. Criteria: GeneDx Variant Classification Process June 2021. Collection method: clinical testing. Allele origin: germline. Affected: yes.

Illumina Laboratory Services, Illumina
Classification: Uncertain significance for Autosomal recessive nonsyndromic hearing loss 49. Last evaluated: 2018-01-13. Review status: criteria provided, single submitter. Criteria: ICSL Variant Classification Criteria 13 December 2019. Collection method: clinical testing. Allele origin: germline.

PreventionGenetics, part of Exact Sciences
Classification: Likely benign for MARVELD2-related condition. Last evaluated: 2019-05-01. Review status: no assertion criteria provided. Collection method: clinical testing. Allele origin: germline. Not counted in ClinVar's aggregate classification.
Comment: This variant is classified as likely benign based on ACMG/AMP sequence variant interpretation guidelines (Richards et al. 2015 PMID: 25741868, with internal and published modifications).